The following is an entry in ClinVar:

ClinVar aggregate classification (germline): Uncertain significance (1 of 4 stars; one submission).

Submission:

GeneDx
Classification: Uncertain significance. Last evaluated: 2026-03-27. Review status: criteria provided, single submitter. Criteria: GeneDx Variant Classification Process June 2021. Collection method: clinical testing. Allele origin: germline.
Comment: Not observed at significant frequency in large population cohorts (gnomAD); In silico analysis supports that this missense variant has a deleterious effect on protein structure/function; Has not been previously published as pathogenic or benign to our knowledge

NM_002474.3(MYH11):c.4965G>C (p.Lys1655Asn)

Genes: MYH11 (myosin heavy chain 11; minus strand), NDE1 (nudE neurodevelopment protein 1; plus strand). Cytogenetic location: 16p13.11.
Variant type: single nucleotide variant.
Coding change: c.4965G>C on transcript NM_002474.3 (MANE Select); coding-DNA position 4965, G replaced by C.
Protein change: p.Lys1655Asn; replaces lysine 1655 with asparagine.
Molecular consequence: missense variant. On other transcripts: intron variant (2).
Genome position (GRCh38, 1-based): chr16:15,719,702, C>G on the plus strand (G>C on the coding strand, the complement: MYH11 is on the minus strand). VCF-style: chr16-15719702-C-G. GRCh37 (hg19) VCF-style: chr16-15813559-C-G.
Other names: c.948-4489C>G (NM_017668.3, NM_001143979.2); c.4986G>C, p.Lys1662Asn (NM_001040113.2, NM_001040114.2); c.4965G>C, p.Lys1655Asn (NM_022844.3); short protein forms K1655N, K1662N.
Identifiers: ClinVar variation 5017808 (VCV005017808.1).